The following is an entry in ClinVar:

NM_001367823.1(ARHGEF18):c.3151G>A (p.Glu1051Lys)

Gene: ARHGEF18 (Rho/Rac guanine nucleotide exchange factor 18; plus strand). Cytogenetic location: 19p13.2.
Variant type: single nucleotide variant.
Coding change: c.3151G>A on transcript NM_001367823.1 (MANE Select); coding-DNA position 3151, G replaced by A.
Protein change: p.Glu1051Lys; replaces glutamic acid 1051 with lysine.
Molecular consequence: missense variant.
Genome position (GRCh38, 1-based): chr19:7,467,355, G>A. VCF-style: chr19-7467355-G-A. GRCh37 (hg19) VCF-style: chr19-7532241-G-A.
Other names: c.2425G>A, p.Glu809Lys (NM_001130955.2); c.2113G>A, p.Glu705Lys (NM_001367824.1, NM_015318.4); short protein forms E705K, E1051K, E809K.
Identifiers: ClinVar variation 2135096 (VCV002135096.4), dbSNP rs1390680373, ClinGen allele CA403087334.

ClinVar aggregate classification (germline): Uncertain significance (1 of 4 stars; one submission).

Allele frequency attached by ClinVar (database versions not stated): gnomAD exomes below 0.00001; TOPMed below 0.00001.
gnomAD v4.1: 1 of 1,536,110 alleles (0.000065%); highest among the groups gnomAD compares: Non-Finnish European, 0.000087%; no homozygotes.

Submission:

Labcorp Genetics (formerly Invitae), Labcorp
Classification: Uncertain significance. Last evaluated: 2022-05-18. Review status: criteria provided, single submitter. Criteria: Invitae Variant Classification Sherloc (09022015). Collection method: clinical testing. Allele origin: germline.
Comment: In summary, the available evidence is currently insufficient to determine the role of this variant in disease. Therefore, it has been classified as a Variant of Uncertain Significance. Algorithms developed to predict the effect of missense changes on protein structure and function (SIFT, PolyPhen-2, Align-GVGD) all suggest that this variant is likely to be disruptive. This variant has not been reported in the literature in individuals affected with ARHGEF18-related conditions. This variant is not present in population databases (gnomAD no frequency). This sequence change replaces glutamic acid, which is acidic and polar, with lysine, which is basic and polar, at codon 863 of the ARHGEF18 protein (p.Glu863Lys).